The following is an entry in ClinVar:

ClinVar aggregate classification (germline): Conflicting classifications of pathogenicity. Review status: criteria provided, conflicting classifications (1 of 4 stars). 3 submissions from 2 submitters: Uncertain significance (2); Likely benign (1). Last evaluated 2021-07-15.

Conditions:
Rhabdoid tumor predisposition syndrome 2 (RTPS2). Identifiers: Orphanet 231108, Orphanet 69077, MedGen C2750074, MONDO:0013224, OMIM 613325.
Intellectual disability, autosomal dominant 16 (CSS4). Also called: COFFIN-SIRIS SYNDROME 4. Identifiers: Orphanet 1465, MedGen C3553249, MONDO:0013821, OMIM 614609.
Facial asymmetry. Also called: Asymmetric Face. Identifiers: MedGen C1306710, HP:0000324.
Single transverse palmar crease. Identifiers: MedGen C0424731, HP:0000954.
Ventricular septal defect. Identifiers: MedGen C0018818, MONDO:0002070, HP:0001629.
Strabismus. Identifiers: MedGen C0038379, MONDO:0003432, HP:0000486.
Global developmental delay (DD). Also called: Cognitive delay. Identifiers: MedGen C0557874, HP:0001263. Disease mechanism: loss of function.

Submissions (3):

Genome-Nilou Lab
Classification: Uncertain significance for Intellectual disability, autosomal dominant 16. Last evaluated: 2021-07-15. Review status: criteria provided, single submitter. Criteria: ACMG Guidelines, 2015. Collection method: clinical testing. Allele origin: germline. Affected: no.

Centre for Mendelian Genomics, University Medical Centre Ljubljana
Classification: Uncertain significance for Rhabdoid tumor predisposition syndrome 2. Last evaluated: 2019-10-27. Review status: criteria provided, single submitter. Criteria: ACMG Guidelines, 2015. Collection method: clinical testing. Allele origin: unknown. Affected: yes.
Comment: This variant was classified as: Uncertain significance. The available evidence on this variant's pathogenicity is insufficient or conflicting. The following ACMG criteria were applied in classifying this variant: PM2,PP3,BS2.

Centre for Mendelian Genomics, University Medical Centre Ljubljana
Classification: Likely benign for Facial asymmetry; Global developmental delay; Single transverse palmar crease; Strabismus; Ventricular septal defect. Last evaluated: 2015-01-23. Review status: criteria provided, single submitter. Criteria: ACMG Guidelines, 2015. Collection method: clinical testing. Allele origin: unknown. Affected: yes.

NM_003072.5(SMARCA4):c.1358C>T (p.Thr453Ile)

Gene: SMARCA4 (SWI/SNF related BAF chromatin remodeling complex subunit ATPase 4; plus strand). Cytogenetic location: 19p13.2.
Variant type: single nucleotide variant.
Coding change: c.1358C>T on transcript NM_003072.5 (MANE Select); coding-DNA position 1358, C replaced by T.
Protein change: p.Thr453Ile; replaces threonine 453 with isoleucine.
Molecular consequence: missense variant. On other transcripts: non-coding transcript variant (1).
Genome position (GRCh38, 1-based): chr19:10,991,262, C>T. VCF-style: chr19-10991262-C-T. GRCh37 (hg19) VCF-style: chr19-11101938-C-T.
Other names: c.1358C>T, p.Thr453Ile (NM_001128844.3, NM_001128845.2, NM_001128846.2 and 5 more transcripts); short protein forms T453I.
Identifiers: ClinVar variation 374051 (VCV000374051.6), dbSNP rs1057518862, ClinGen allele CA16043549.